The following is an entry in ClinVar:

NM_019112.4(ABCA7):c.3417C>G (p.Leu1139=)

Gene: ABCA7 (ATP binding cassette subfamily A member 7; plus strand). Cytogenetic location: 19p13.3.
Variant type: single nucleotide variant.
Coding change: c.3417C>G on transcript NM_019112.4 (MANE Select); coding-DNA position 3417, C replaced by G.
Protein change: p.Leu1139=; no amino-acid change (leucine 1139 retained).
Molecular consequence: synonymous variant.
Genome position (GRCh38, 1-based): chr19:1,053,525, C>G. VCF-style: chr19-1053525-C-G. GRCh37 (hg19) VCF-style: chr19-1053524-C-G.
Identifiers: ClinVar variation 3060111 (VCV003060111.2), dbSNP rs3752241, ClinGen allele CA9034023.
Genomic context (GRCh38, chr19:1,053,525, plus strand): 5'-GCTAGACACGCGGCTGGCGGAGCTGAGGCTCACTGGCTACGGGATCTCCGACACCAGCCT[C>G]GAGGAGGTGTGAGGCCTGGGTGGTGGTGAGGTGGGGCCAGGAGGAGGGCTTCCTGGAGGA-3'
Protein context (NP_061985.2, residues 1129-1149): LTGYGISDTS[Leu1139=]EEIFLKVVEE

ClinVar aggregate classification (germline): Benign (0 of 4 stars; one submission).

Conditions:
ABCA7-related disorder. Also called: ABCA7-related condition.

Allele frequency attached by ClinVar (database versions not stated): TOPMed 0.16374; ESP Exome Variant Server 0.16388; 1000 Genomes Project 30x 0.18254; 1000 Genomes Project 0.18271.
gnomAD v4.1: 267,523 of 1,561,844 alleles (17%); highest among the groups gnomAD compares: South Asian, 25%; 23,671 homozygotes.

Submission:

PreventionGenetics, part of Exact Sciences
Classification: Benign for ABCA7-related condition. Last evaluated: 2019-03-05. Review status: no assertion criteria provided. Collection method: clinical testing. Allele origin: germline.
Comment: This variant is classified as benign based on ACMG/AMP sequence variant interpretation guidelines (Richards et al. 2015 PMID: 25741868, with internal and published modifications).